The following is an entry in ClinVar:

ClinVar aggregate classification (germline): Uncertain significance (1 of 4 stars; one submission).

Submission:

Labcorp Genetics (formerly Invitae), Labcorp
Classification: Uncertain significance. Last evaluated: 2023-01-22. Review status: criteria provided, single submitter. Criteria: Invitae Variant Classification Sherloc (09022015). Collection method: clinical testing. Allele origin: germline.
Comment: This sequence change replaces histidine, which is basic and polar, with aspartic acid, which is acidic and polar, at codon 400 of the GUCY2C protein (p.His400Asp). This variant is not present in population databases (gnomAD no frequency). This variant has not been reported in the literature in individuals affected with GUCY2C-related conditions. Advanced modeling of protein sequence and biophysical properties (such as structural, functional, and spatial information, amino acid conservation, physicochemical variation, residue mobility, and thermodynamic stability) performed at Invitae indicates that this missense variant is not expected to disrupt GUCY2C protein function. In summary, the available evidence is currently insufficient to determine the role of this variant in disease. Therefore, it has been classified as a Variant of Uncertain Significance.

NM_004963.4(GUCY2C):c.1198C>G (p.His400Asp)

Genes: GUCY2C (guanylate cyclase 2C; minus strand), GUCY2C-AS1 (GUCY2C antisense RNA 1; plus strand). Cytogenetic location: 12p12.3.
Variant type: single nucleotide variant.
Coding change: c.1198C>G on transcript NM_004963.4 (MANE Select); coding-DNA position 1198, C replaced by G.
Protein change: p.His400Asp; replaces histidine 400 with aspartic acid.
Molecular consequence: missense variant.
Genome position (GRCh38, 1-based): chr12:14,669,806, G>C on the plus strand (C>G on the coding strand, the complement: GUCY2C is on the minus strand). VCF-style: chr12-14669806-G-C. GRCh37 (hg19) VCF-style: chr12-14822740-G-C.
Other names: short protein forms H400D.
Identifiers: ClinVar variation 2831062 (VCV002831062.3), dbSNP rs2497758195, ClinGen allele CA383997815.
Genomic context (GRCh38, chr12:14,669,806, plus strand): 5'-GTTTAGAGTTCTTCCAAGTGAATGTGGGGCTCATATCCACAGGATAGGTCTTATTTACGT[G>C]GGTATCATAGGTCAAAAGAACCTTGTACTGTGTCAGGGCACAAAAAAGAAAAAGGATGAA-3'
Protein context (NP_004954.2, residues 390-410): KYKVLLTYDT[His400Asp]VNKTYPVDMS